The following is an entry in ClinVar:

ClinVar aggregate classification (germline): Uncertain significance (1 of 4 stars; one submission).

Conditions:
Inborn genetic diseases. Identifiers: MedGen C0950123, MeSH D030342.

Submission:

Ambry Genetics
Classification: Uncertain significance for Inborn genetic diseases. Last evaluated: 2026-07-13. Review status: criteria provided, single submitter. Criteria: Ambry Variant Classification Scheme 2023. Collection method: clinical testing. Allele origin: germline.
Comment: The p.I203F variant (also known as c.607A>T), located in coding exon 6 of the PAX5 gene, results from an A to T substitution at nucleotide position 607. The isoleucine at codon 203 is replaced by phenylalanine, an amino acid with highly similar properties. This amino acid position is conserved. In addition, the in silico prediction for this alteration is inconclusive. Based on the available evidence, the clinical significance of this variant remains unclear.

NM_016734.3(PAX5):c.607A>T (p.Ile203Phe)

Gene: PAX5 (paired box 5; minus strand). Cytogenetic location: 9p13.2.
Variant type: single nucleotide variant.
Coding change: c.607A>T on transcript NM_016734.3 (MANE Select); coding-DNA position 607, A replaced by T.
Protein change: p.Ile203Phe; replaces isoleucine 203 with phenylalanine.
Molecular consequence: missense variant. On other transcripts: non-coding transcript variant (2).
Genome position (GRCh38, 1-based): chr9:36,966,722, T>A on the plus strand (A>T on the coding strand, the complement: PAX5 is on the minus strand). VCF-style: chr9-36966722-T-A. GRCh37 (hg19) VCF-style: chr9-36966719-T-A.
Other names: c.283A>T, p.Ile95Phe (NM_001280551.2, NM_001280556.2); c.607A>T, p.Ile203Phe (NM_001280552.2, NM_001280547.2, NM_001280548.2 and 2 more transcripts); c.478A>T, p.Ile160Phe (NM_001280553.2, NM_001280554.2); c.409A>T, p.Ile137Phe (NM_001280555.2); short protein forms I203F, I160F, I137F, I95F.
Identifiers: ClinVar variation 5026298 (VCV005026298.1).
Genomic context (GRCh38, chr9:36,966,722, plus strand): 5'-GCTTCCGGAGGAAGTCTCTGCCCGGAAGCGAGTGGCCGTTCGGCACCGGAGACTCCTGAA[T>A]ACCTTTGATGAGCAGGAGAGAGGAAGGGTGAGTGGAGGTTATACACGTTGCTAAAGAAAG-3'
Protein context (NP_057953.1, residues 193-213): DTNKRKRDEG[Ile203Phe]QESPVPNGHS